The following is an entry in ClinVar:

NM_014855.3(AP5Z1):c.1301A>G (p.Asn434Ser)

Gene: AP5Z1 (adaptor related protein complex 5 subunit zeta 1; plus strand). Cytogenetic location: 7p22.1.
Variant type: single nucleotide variant.
Coding change: c.1301A>G on transcript NM_014855.3 (MANE Select); coding-DNA position 1301, A replaced by G.
Protein change: p.Asn434Ser; replaces asparagine 434 with serine.
Molecular consequence: missense variant. On other transcripts: non-coding transcript variant (1).
Genome position (GRCh38, 1-based): chr7:4,786,418, A>G. VCF-style: chr7-4786418-A-G. GRCh37 (hg19) VCF-style: chr7-4826049-A-G.
Other names: c.833A>G, p.Asn278Ser (NM_001364858.1); short protein forms N278S, N434S.
Identifiers: ClinVar variation 2750254 (VCV002750254.3), dbSNP rs761776149, ClinGen allele CA4137716.

ClinVar aggregate classification (germline): Uncertain significance (1 of 4 stars; one submission).

Conditions:
Hereditary spastic paraplegia 48. Also called: Spastic paraplegia 48; SPASTIC PARAPLEGIA 48, AUTOSOMAL RECESSIVE. Identifiers: Orphanet 306511, MedGen C3150901, MONDO:0013342, OMIM 613647.

Allele frequency attached by ClinVar (database versions not stated): gnomAD exomes below 0.00001; ExAC 0.00001; gnomAD 0.00001.
gnomAD v4.1: 3 of 1,613,404 alleles (0.00019%); highest among the groups gnomAD compares: Admixed American, 0.0017%; no homozygotes.

Submission:

Labcorp Genetics (formerly Invitae), Labcorp
Classification: Uncertain significance for Hereditary spastic paraplegia 48. Last evaluated: 2023-08-04. Review status: criteria provided, single submitter. Criteria: Invitae Variant Classification Sherloc (09022015). Collection method: clinical testing. Allele origin: germline.
Comment: In summary, the available evidence is currently insufficient to determine the role of this variant in disease. Therefore, it has been classified as a Variant of Uncertain Significance. Advanced modeling of protein sequence and biophysical properties (such as structural, functional, and spatial information, amino acid conservation, physicochemical variation, residue mobility, and thermodynamic stability) performed at Invitae indicates that this missense variant is not expected to disrupt AP5Z1 protein function. This variant has not been reported in the literature in individuals affected with AP5Z1-related conditions. This variant is present in population databases (rs761776149, gnomAD 0.003%). This sequence change replaces asparagine, which is neutral and polar, with serine, which is neutral and polar, at codon 434 of the AP5Z1 protein (p.Asn434Ser).